The following is an entry in ClinVar:

NM_007294.4(BRCA1):c.5521del (p.Ser1841fs)

Gene: BRCA1 (BRCA1 DNA repair associated; minus strand). Cytogenetic location: 17q21.31.
Variant type: Deletion.
Coding change: c.5521del on transcript NM_007294.4 (MANE Select); coding-DNA position 5521, one base deleted (A; older notation c.5521delA).
Protein change: p.Ser1841fs; shifts the reading frame from serine 1841.
Molecular consequence: frameshift variant. On other transcripts: 3 prime UTR variant (1), non-coding transcript variant (1).
Genome position (GRCh38, 1-based): chr17:43,045,749, T deleted on the plus strand (A on the coding strand, the reverse complement: BRCA1 is on the minus strand). VCF-style (leftmost placement, unchanged base first): chr17-43045748-CT-C. GRCh37 (hg19) VCF-style: chr17-41197765-CT-C.
Other names: 5640delA; c.5185delA, p.Ser1729Valfs (NM_001407951.1, NM_001407952.1, NM_001407953.1 and 3 more transcripts); c.5182delA, p.Ser1728Valfs (NM_001407956.1, NM_001407957.1, NM_001407958.1); c.5140delA, p.Ser1714Valfs (NM_001407959.1); c.5137delA, p.Ser1713Valfs (NM_001407960.1, NM_001407962.1); c.5134delA, p.Ser1712Valfs (NM_001407963.1); c.5059delA, p.Ser1687Valfs (NM_001407964.1); c.5014delA, p.Ser1672Valfs (NM_001407965.1); and 78 more; short protein forms S1794fs, S1841fs, S737fs, S1862fs.
Identifiers: ClinVar variation 55612 (VCV000055612.18), dbSNP rs80357721, ClinGen allele CA003695.

ClinVar aggregate classification (germline): Pathogenic. Review status: reviewed by expert panel (3 of 4 stars). 6 submissions from 6 submitters: Pathogenic (1). 5 of the submissions do not count toward it. Last evaluated 2016-09-08.

Conditions:
Hereditary cancer-predisposing syndrome. Also called: Neoplastic Syndromes, Hereditary; Tumor predisposition; Hereditary Cancer Syndrome; Hereditary neoplastic syndrome. Identifiers: Orphanet 140162, MedGen C0027672, MeSH D009386, MONDO:0015356.
Hereditary breast ovarian cancer syndrome. Also called: Hereditary breast and/or ovarian cancer syndrome; Hereditary breast and ovarian cancer syndrome; Hereditary breast and ovarian cancer; Hereditary breast and ovarian cancer syndrome (HBOC); Breast and ovarian cancer; BRCA1- and BRCA2-Associated Hereditary Breast and Ovarian Cancer. Identifiers: Orphanet 145, MedGen C0677776, MeSH D061325, MONDO:0003582. Disease mechanism: loss of function.
Breast-ovarian cancer, familial, susceptibility to, 1 (BROVCA1). Also called: OVARIAN CANCER, SUSCEPTIBILITY TO; BRCA1 Hereditary Breast and Ovarian Cancer. Identifiers: Orphanet 145, MedGen C2676676, MONDO:0011450, OMIM 604370. Disease mechanism: loss of function.

Submissions (6):

Evidence-based Network for the Interpretation of Germline Mutant Alleles (ENIGMA)
Classification: Pathogenic for Breast-ovarian cancer, familial, susceptibility to, 1. Last evaluated: 2016-09-08. Review status: reviewed by expert panel. Criteria: ENIGMA BRCA1/2 Classification Criteria (2015). Collection method: curation. Allele origin: germline.
Comment: Variant allele predicted to encode a truncated non-functional protein.

Ambry Genetics
Classification: Pathogenic for Hereditary cancer-predisposing syndrome. Last evaluated: 2022-06-29. Review status: criteria provided, single submitter. Criteria: Ambry Variant Classification Scheme 2023. Collection method: clinical testing. Allele origin: germline. Not counted in ClinVar's aggregate classification.
Comment: The c.5521delA pathogenic mutation, located in coding exon 22 of the BRCA1 gene, results from a deletion of one nucleotide at nucleotide position 5521, causing a translational frameshift with a predicted alternate stop codon (p.S1841Vfs*2). This alteration occurs at the 3' terminus of theBRCA1 gene, is not expected to trigger nonsense-mediated mRNA decay, and only impacts the last 22 amino acids of the protein. However, premature stop codons are typically deleterious in nature and the impacted region is critical for protein function (Ambry internal data). This alteration was detected in a cohort of women diagnosed with breast cancer (Malone KE, JAMA 1998 Mar;279(12):922-9). Based on the supporting evidence, this alteration is interpreted as a disease-causing mutation.

Labcorp Genetics (formerly Invitae), Labcorp
Classification: Pathogenic for Hereditary breast ovarian cancer syndrome. Last evaluated: 2018-02-13. Review status: criteria provided, single submitter. Criteria: Invitae Variant Classification Sherloc (09022015). Collection method: clinical testing. Allele origin: germline. Not counted in ClinVar's aggregate classification.
Comment: For these reasons, this variant has been classified as Pathogenic. This truncation is expected to partially remove the C-terminal BRCT domain of BRCA1 protein, which is important for DNA repair activity (PMID: 14576433, 15133503). A different deleterious variant p.Tyr1853* located downstream of this variant has been shown to disrupt BRCA1 protein function (PMID: 8942979, 20681793, 10811118, 11256609, 17308087), suggesting that although this particular variant may not result in nonsense mediated decay, it is expected to affect BRCA1 protein function. This variant has been reported in individuals affected with breast cancer (PMID: 9544766, 16835750, 21614564, 27393621). This variant is also known as 5640delA in the literature. ClinVar contains an entry for this variant (Variation ID: 55612). This variant is not present in population databases (ExAC no frequency). This sequence change deletes 1 nucleotide in exon 23 of the BRCA1 mRNA (c.5521delA), causing a frameshift at codon 1841. This creates a premature translational stop signal in the last exon of the BRCA1 mRNA (p.Ser1841Valfs*2). While this is not anticipated to result in nonsense mediated decay, it is expected to result in a truncated protein by eliminating 22 amino acid residues from the full-length BRCA1 protein.

Consortium of Investigators of Modifiers of BRCA1/2 (CIMBA), c/o University of Cambridge
Classification: Pathogenic for Breast-ovarian cancer, familial, susceptibility to, 1. Last evaluated: 2015-10-02. Review status: criteria provided, single submitter. Criteria: CIMBA Mutation Classification guidelines May 2016. Collection method: clinical testing. Allele origin: germline. Not counted in ClinVar's aggregate classification.

Juno Genomics, Hangzhou Juno Genomics, Inc
Classification: Pathogenic for Breast-ovarian cancer, familial, susceptibility to, 1. Review status: criteria provided, single submitter. Criteria: ACMG Guidelines, 2015. Collection method: clinical testing. Allele origin: germline. Not counted in ClinVar's aggregate classification.
Comment: Absent from controls (or at extremely low frequency if recessive) in Genome Aggregation Database.;Null variant in a gene where loss of function (LOF) is a known mechanism of disease.;The prevalence of the variant in affected individuals is significantly increased compared to the prevalence in controls.

Breast Cancer Information Core (BIC) (BRCA1)
Classification: Pathogenic for Breast-ovarian cancer, familial 1. Last evaluated: 1999-04-06. Review status: no assertion criteria provided. Collection method: clinical testing. Allele origin: germline. Affected: yes. Observed: 394 variant alleles. Not counted in ClinVar's aggregate classification.

Literature cited by the submitters: PubMed 9544766 (cited by Ambry Genetics and Labcorp Genetics (formerly Invitae), Labcorp); PubMed 14576433 (cited by Labcorp Genetics (formerly Invitae), Labcorp); PubMed 15133503 (cited by Labcorp Genetics (formerly Invitae), Labcorp); PubMed 8942979 (cited by Labcorp Genetics (formerly Invitae), Labcorp); PubMed 20681793 (cited by Labcorp Genetics (formerly Invitae), Labcorp); PubMed 10811118 (cited by Labcorp Genetics (formerly Invitae), Labcorp); PubMed 11256609 (cited by Labcorp Genetics (formerly Invitae), Labcorp); PubMed 17308087 (cited by Labcorp Genetics (formerly Invitae), Labcorp); PubMed 16835750 (cited by Labcorp Genetics (formerly Invitae), Labcorp); PubMed 21614564 (cited by Labcorp Genetics (formerly Invitae), Labcorp); PubMed 27393621 (cited by Labcorp Genetics (formerly Invitae), Labcorp).